The following is an entry in ClinVar:

ClinVar aggregate classification (germline): Uncertain significance (1 of 4 stars; one submission).

Submission:

Labcorp Genetics (formerly Invitae), Labcorp
Classification: Uncertain significance. Last evaluated: 2024-04-13. Review status: criteria provided, single submitter. Criteria: Invitae Variant Classification Sherloc (09022015). Collection method: clinical testing. Allele origin: germline.
Comment: This sequence change replaces proline, which is neutral and non-polar, with arginine, which is basic and polar, at codon 27 of the ALPK3 protein (p.Pro27Arg). This variant is not present in population databases (gnomAD no frequency). This variant has not been reported in the literature in individuals affected with ALPK3-related conditions. ClinVar contains an entry for this variant (Variation ID: 1978618). An algorithm developed to predict the effect of missense changes on protein structure and function (PolyPhen-2) suggests that this variant is likely to be tolerated. In summary, the available evidence is currently insufficient to determine the role of this variant in disease. Therefore, it has been classified as a Variant of Uncertain Significance.

NC_000015.10:g.84816926C>G

Gene: ALPK3 (alpha kinase 3; plus strand). Cytogenetic location: 15q25.3.
Variant type: single nucleotide variant.
Genome position: GRCh38 VCF-style: chr15-84816926-C-G. GRCh37 (hg19) VCF-style: chr15-85360157-C-G.
Identifiers: ClinVar variation 1978618 (VCV001978618.4), dbSNP rs1349505201, ClinGen allele CA393368038.